The following is an entry in ClinVar:

NM_000173.7(GP1BA):c.1763T>C (p.Val588Ala)

Genes: GP1BA (glycoprotein Ib platelet subunit alpha; plus strand), LOC130060044 (ATAC-STARR-seq lymphoblastoid active region 11554; plus strand). Cytogenetic location: 17p13.2.
Variant type: single nucleotide variant.
Coding change: c.1763T>C on transcript NM_000173.7 (MANE Select); coding-DNA position 1763, T replaced by C.
Protein change: p.Val588Ala; replaces valine 588 with alanine.
Molecular consequence: missense variant.
Genome position (GRCh38, 1-based): chr17:4,934,367, T>C. VCF-style: chr17-4934367-T-C. GRCh37 (hg19) VCF-style: chr17-4837662-T-C.
Other names: c.1763T>C (NM_000173.5, NM_000173.6); short protein forms V588A.
Identifiers: ClinVar variation 3339411 (VCV003339411.7).

ClinVar aggregate classification (germline): Uncertain significance. Review status: criteria provided, multiple submitters, no conflicts (2 of 4 stars). 4 submissions from 4 submitters: Uncertain significance (4). Last evaluated 2026-09-10.

Conditions:
GP1BA-related disorder. Also called: GP1BA-related condition.

gnomAD v4.1: 475 of 1,614,026 alleles (0.029%); highest among the groups gnomAD compares: Admixed American, 0.055%; no homozygotes.

Submissions (4):

GeneDx
Classification: Uncertain significance. Last evaluated: 2026-09-10. Review status: criteria provided, single submitter. Criteria: GeneDx Variant Classification Process June 2021. Collection method: clinical testing. Allele origin: germline.
Comment: Reported in an ischemic stroke cohort (PMID: 29232918); In silico analysis suggests that this missense variant does not alter protein structure/function; This variant is associated with the following publications: (PMID: 29232918)

Women's Health and Genetics/Laboratory Corporation of America, LabCorp
Classification: Uncertain significance. Last evaluated: 2026-03-10. Review status: criteria provided, single submitter. Criteria: LabCorp Variant Classification Summary - May 2015. Collection method: clinical testing. Allele origin: germline.
Comment: Variant summary: GP1BA c.1763T>C (p.Val588Ala) results in a non-conservative amino acid change in the encoded protein sequence. Algorithms developed to predict the effect of missense changes on protein structure and function are either unavailable or do not agree on the potential impact of this missense change. The variant allele was found at a frequency of 0.00027 in 249250 control chromosomes. This frequency is not significantly higher than estimated for disease-causing variants in GP1BA, allowing no conclusion about variant significance. To our knowledge, no occurrence of c.1763T>C in individuals affected with GP1BA-related conditions and no experimental evidence demonstrating its impact on protein function have been reported. ClinVar contains an entry for this variant (Variation ID: 3339411). Based on the evidence outlined above, the variant was classified as uncertain significance.

Blueprint Genetics
Classification: Uncertain significance. Last evaluated: 2024-11-27. Review status: criteria provided, single submitter. Criteria: ACMG Guidelines, 2015. Collection method: clinical testing. Allele origin: germline.

PreventionGenetics, part of Exact Sciences
Classification: Uncertain significance for GP1BA-related condition. Last evaluated: 2024-11-11. Review status: criteria provided, single submitter. Criteria: ACMG Guidelines, 2015. Collection method: clinical testing. Allele origin: germline.
Comment: The GP1BA c.1763T>C variant is predicted to result in the amino acid substitution p.Val588Ala. To our knowledge, this variant has not been reported in the literature. This variant is reported in 0.079% of alleles in individuals of Latino descent in gnomAD. At this time, the clinical significance of this variant is uncertain due to the absence of conclusive functional and genetic evidence.